The following is an entry in ClinVar:

NM_014014.5(SNRNP200):c.1082A>C (p.Tyr361Ser)

Gene: SNRNP200 (small nuclear ribonucleoprotein U5 subunit 200; minus strand). Cytogenetic location: 2q11.2.
Variant type: single nucleotide variant.
Coding change: c.1082A>C on transcript NM_014014.5 (MANE Select); coding-DNA position 1082, A replaced by C.
Protein change: p.Tyr361Ser; replaces tyrosine 361 with serine.
Molecular consequence: missense variant.
Genome position (GRCh38, 1-based): chr2:96,298,321, T>G on the plus strand (A>C on the coding strand, the complement: SNRNP200 is on the minus strand). VCF-style: chr2-96298321-T-G. GRCh37 (hg19) VCF-style: chr2-96964059-T-G.
Other names: short protein forms Y361S.
Identifiers: ClinVar variation 1008962 (VCV001008962.8), dbSNP rs762481661, ClinGen allele CA347683758.
Genomic context (GRCh38, chr2:96,298,321, plus strand): 5'-AGATAAACCAACCCAGTCCTTACTCGGATCAGATCCTCCTTCTCGGTTTCATGAAGCTGG[T>G]AGAGGAACTTGGATAGCTCTGGGTCAGCTTCCATCTTTCCCATAATCCTTTCCTTTTCAG-3'
Protein context (NP_054733.2, residues 351-371): EADPELSKFL[Tyr361Ser]QLHETEKEDL

ClinVar aggregate classification (germline): Uncertain significance (1 of 4 stars; one submission).

Allele frequency attached by ClinVar (database versions not stated): gnomAD 0.00001; TOPMed 0.00001.
gnomAD v4.1: 5 of 1,614,120 alleles (0.00031%); highest among the groups gnomAD compares: Non-Finnish European, 0.00042%; no homozygotes.

Submission:

Labcorp Genetics (formerly Invitae), Labcorp
Classification: Uncertain significance. Last evaluated: 2020-08-04. Review status: criteria provided, single submitter. Criteria: Invitae Variant Classification Sherloc (09022015). Collection method: clinical testing. Allele origin: germline.
Comment: In summary, the available evidence is currently insufficient to determine the role of this variant in disease. Therefore, it has been classified as a Variant of Uncertain Significance. Algorithms developed to predict the effect of missense changes on protein structure and function (SIFT, PolyPhen-2, Align-GVGD) all suggest that this variant is likely to be tolerated, but these predictions have not been confirmed by published functional studies and their clinical significance is uncertain. This variant has been observed in individual(s) with retinitis pigmentosa (Invitae). This variant is not present in population databases (ExAC no frequency). This sequence change replaces tyrosine with serine at codon 361 of the SNRNP200 protein (p.Tyr361Ser). The tyrosine residue is moderately conserved and there is a large physicochemical difference between tyrosine and serine.